The following is an entry in ClinVar:

NM_001348768.2(HECW2):c.887A>G (p.Asp296Gly)

Gene: HECW2 (HECT, C2 and WW domain containing E3 ubiquitin protein ligase 2; minus strand). Cytogenetic location: 2q32.3.
Variant type: single nucleotide variant.
Coding change: c.887A>G on transcript NM_001348768.2 (MANE Select); coding-DNA position 887, A replaced by G.
Protein change: p.Asp296Gly; replaces aspartic acid 296 with glycine.
Molecular consequence: missense variant. On other transcripts: intron variant (1).
Genome position (GRCh38, 1-based): chr2:196,320,437, T>C on the plus strand (A>G on the coding strand, the complement: HECW2 is on the minus strand). VCF-style: chr2-196320437-T-C. GRCh37 (hg19) VCF-style: chr2-197185161-T-C.
Other names: c.887A>G, p.Asp296Gly (NM_020760.4); c.-83-533A>G (NM_001304840.3); short protein forms D296G.
Identifiers: ClinVar variation 2480082 (VCV002480082.3), dbSNP rs1691899020, ClinGen allele CA349968011.

ClinVar aggregate classification (germline): Uncertain significance. Review status: criteria provided, multiple submitters, no conflicts (2 of 4 stars). 2 submissions from 2 submitters: Uncertain significance (2). Last evaluated 2023-01-31.

Conditions:
Inborn genetic diseases. Identifiers: MedGen C0950123, MeSH D030342.
Neurodevelopmental disorder with hypotonia, seizures, and absent language (NDHSAL). Identifiers: MedGen C4310643, MONDO:0014995, OMIM 617268.

Submissions (2):

Ambry Genetics
Classification: Uncertain significance for Inborn genetic diseases. Last evaluated: 2023-01-31. Review status: criteria provided, single submitter. Criteria: Ambry Variant Classification Scheme 2023. Collection method: clinical testing. Allele origin: germline.

Neuberg Centre For Genomic Medicine, NCGM
Classification: Uncertain significance for Neurodevelopmental disorder with hypotonia, seizures, and absent language. Review status: criteria provided, single submitter. Criteria: ACMG Guidelines, 2015. Collection method: clinical testing. Allele origin: germline. Inheritance: Autosomal dominant inheritance. Affected: yes.
Comment: The observed missense variant c.887A>Gp.Asp296Gly in the HECW2 gene has not been reported previously as a pathogenic variant nor as a benign variant, to our knowledge. This variant is absent in the gnomAD Exomes. This variant has been reported to the ClinVar database as Uncertain Significance. However, no details are available for independent assessment. The amino acid Asp at position 296 is changed to a Gly changing protein sequence and it might alter its composition and physico-chemical properties. Multiple lines of computational evidence Polyphen - Damaging and MutationTaster - Disease causing predict a damaging effect on protein structure and function for this variant. The residue is conserved by GERP++ and PhyloP across 100 vertebrates. For these reasons, this variant has been classified as Uncertain Significance.